The following is an entry in ClinVar:

NM_006031.6(PCNT):c.4727A>G (p.Lys1576Arg)

Gene: PCNT (pericentrin; plus strand). Cytogenetic location: 21q22.3.
Variant type: single nucleotide variant.
Coding change: c.4727A>G on transcript NM_006031.6 (MANE Select); coding-DNA position 4727, A replaced by G.
Protein change: p.Lys1576Arg; replaces lysine 1576 with arginine.
Molecular consequence: missense variant.
Genome position (GRCh38, 1-based): chr21:46,399,732, A>G. VCF-style: chr21-46399732-A-G. GRCh37 (hg19) VCF-style: chr21-47819646-A-G.
Other names: c.4373A>G, p.Lys1458Arg (NM_001315529.2); short protein forms K1458R, K1576R.
Identifiers: ClinVar variation 1030063 (VCV001030063.1), dbSNP rs768872502, ClinGen allele CA10079757.

ClinVar aggregate classification (germline): Uncertain significance (1 of 4 stars; one submission).

Conditions:
Microcephalic osteodysplastic primordial dwarfism type II (MOPD2). Also called: MOPD II; OSTEODYSPLASTIC PRIMORDIAL DWARFISM, TYPE II; Microcephalic osteodysplastic primordial dwarfism with tooth abnormalities. Identifiers: Orphanet 2637, MedGen C0432246, MONDO:0008872, OMIM 210720.

Allele frequency attached by ClinVar (database versions not stated): gnomAD 0.00001; gnomAD exomes 0.00001 and 0.00002; TOPMed 0.00001; ExAC 0.00002.
gnomAD v4.1: 18 of 1,614,154 alleles (0.0011%); highest among the groups gnomAD compares: Middle Eastern, 0.033%; no homozygotes.

Submission:

Baylor Genetics
Classification: Uncertain significance for Microcephalic osteodysplastic primordial dwarfism type II. Last evaluated: 2019-11-15. Review status: criteria provided, single submitter. Criteria: ACMG Guidelines, 2015. Collection method: clinical testing. Allele origin: paternal. Affected: yes.
Comment: This variant was determined to be of uncertain significance according to ACMG Guidelines, 2015 [PMID:25741868].